The following is an entry in ClinVar:

ClinVar aggregate classification (germline): Uncertain significance (1 of 4 stars; one submission).

Conditions:
Marfan syndrome (MFS). Also called: FBN1-Related Marfan Syndrome; MARFAN SYNDROME, TYPE I; Marfan syndrome type 1; Marfan's syndrome; Marfan syndrome, classic. Identifiers: Orphanet 284963, Orphanet 558, MedGen C0024796, MONDO:0007947, OMIM 154700.
Familial thoracic aortic aneurysm and aortic dissection (TAAD). Also called: Thoracic aortic aneurysms and dissections. Identifiers: Orphanet 91387, MedGen C4707243, MONDO:0019625.

Submission:

Labcorp Genetics (formerly Invitae), Labcorp
Classification: Uncertain significance for Marfan syndrome; Familial thoracic aortic aneurysm and aortic dissection. Last evaluated: 2025-06-15. Review status: criteria provided, single submitter. Criteria: Invitae Variant Classification Sherloc (09022015). Collection method: clinical testing. Allele origin: germline.
Comment: This sequence change replaces asparagine, which is neutral and polar, with aspartic acid, which is acidic and polar, at codon 1000 of the FBN1 protein (p.Asn1000Asp). This variant is not present in population databases (gnomAD no frequency). This variant has not been reported in the literature in individuals affected with FBN1-related conditions. Invitae Evidence Modeling of protein sequence and biophysical properties (such as structural, functional, and spatial information, amino acid conservation, physicochemical variation, residue mobility, and thermodynamic stability) indicates that this missense variant is not expected to disrupt FBN1 protein function with a negative predictive value of 95%. In summary, the available evidence is currently insufficient to determine the role of this variant in disease. Therefore, it has been classified as a Variant of Uncertain Significance.

NM_000138.5(FBN1):c.2998A>G (p.Asn1000Asp)

Gene: FBN1 (fibrillin 1; minus strand). Cytogenetic location: 15q21.1.
Variant type: single nucleotide variant.
Coding change: c.2998A>G on transcript NM_000138.5 (MANE Select); coding-DNA position 2998, A replaced by G.
Protein change: p.Asn1000Asp; replaces asparagine 1000 with aspartic acid.
Molecular consequence: missense variant.
Genome position (GRCh38, 1-based): chr15:48,489,935, T>C on the plus strand (A>G on the coding strand, the complement: FBN1 is on the minus strand). VCF-style: chr15-48489935-T-C. GRCh37 (hg19) VCF-style: chr15-48782132-T-C.
Other names: c.2998A>G, p.Asn1000Asp (NM_001406716.1); short protein forms N1000D.
Identifiers: ClinVar variation 4789658 (VCV004789658.1).